The following is an entry in ClinVar:

NM_022369.4(STRA6):c.1913G>C (p.Arg638Pro)

Gene: STRA6 (signaling receptor and transporter of retinol STRA6; minus strand). Cytogenetic location: 15q24.1.
Variant type: single nucleotide variant.
Coding change: c.1913G>C on transcript NM_022369.4 (MANE Select); coding-DNA position 1913, G replaced by C.
Protein change: p.Arg638Pro; replaces arginine 638 with proline.
Molecular consequence: missense variant.
Genome position (GRCh38, 1-based): chr15:74,180,171, C>G on the plus strand (G>C on the coding strand, the complement: STRA6 is on the minus strand). VCF-style: chr15-74180171-C-G. GRCh37 (hg19) VCF-style: chr15-74472512-C-G.
Other names: c.1913G>C, p.Arg638Pro (NM_001142617.2, NM_001142618.2); c.1886G>C, p.Arg629Pro (NM_001142619.2); c.2024G>C, p.Arg675Pro (NM_001199040.2); c.1958G>C, p.Arg653Pro (NM_001199041.2); c.2030G>C, p.Arg677Pro (NM_001199042.2); short protein forms R638P, R653P, R675P, R629P, R677P.
Identifiers: ClinVar variation 221967 (VCV000221967.1), dbSNP rs144691445, ClinGen allele CA072032.

ClinVar aggregate classification (germline): Pathogenic (1 of 4 stars; one submission).

Conditions:
Anophthalmia-microphthalmia syndrome. Also called: Anophthalmia/Microphthalmia; Anophthalmia - microphthalmia. Identifiers: Orphanet 98555, MedGen C5680330, MONDO:0020147.

Allele frequency attached by ClinVar (database versions not stated): ESP Exome Variant Server 0.00008.

Submission:

Paul Sabatier University EA-4555, Paul Sabatier University
Classification: Pathogenic. Last evaluated: 2013-01-01. Review status: criteria provided, single submitter. Criteria: Chassaing et al. (Genome Res. 2016). Collection method: clinical testing. Allele origin: inherited. Inheritance: Autosomal recessive inheritance. Affected: yes. Observed: 1 compound heterozygote.
Comment: rare variant, predicted damaging in silico (Polyphen-2, SIFT), compound heterozygosity